The following is an entry in ClinVar:

ClinVar aggregate classification (germline): Uncertain significance (1 of 4 stars; one submission).

Conditions:
Hereditary cancer-predisposing syndrome. Also called: Neoplastic Syndromes, Hereditary; Hereditary neoplastic syndrome; Tumor predisposition; Hereditary Cancer Syndrome. Identifiers: Orphanet 140162, MedGen C0027672, MeSH D009386, MONDO:0015356.

Submission:

Ambry Genetics
Classification: Uncertain significance for Hereditary cancer-predisposing syndrome. Last evaluated: 2026-02-27. Review status: criteria provided, single submitter. Criteria: Ambry Variant Classification Scheme 2023. Collection method: clinical testing. Allele origin: germline.
Comment: The c.1713-5C>G intronic variant results from a C to G substitution 5 nucleotides upstream from coding exon 6 in the AXIN2 gene. This nucleotide position is not well conserved in available vertebrate species. In silico splice site analysis predicts that this alteration will not have any significant effect on splicing. Based on the available evidence, the clinical significance of this variant remains unclear.

NM_004655.4(AXIN2):c.1713-5C>G

Gene: AXIN2 (axin 2; minus strand). Cytogenetic location: 17q24.1.
Variant type: single nucleotide variant.
Coding change: c.1713-5C>G on transcript NM_004655.4 (MANE Select); 5 bases into the intron before coding-DNA position 1713, C replaced by G.
Molecular consequence: intron variant.
Genome position (GRCh38, 1-based): chr17:65,537,068, G>C on the plus strand (C>G on the coding strand, the complement: AXIN2 is on the minus strand). VCF-style: chr17-65537068-G-C. GRCh37 (hg19) VCF-style: chr17-63533186-G-C.
Other names: c.1712+256C>G (NM_001363813.1).
Identifiers: ClinVar variation 4824629 (VCV004824629.1).